The following is an entry in ClinVar:

NM_001709.5(BDNF):c.-21-15688C>T

Genes: BDNF (brain derived neurotrophic factor; minus strand), BDNF-AS (BDNF antisense RNA; plus strand). Cytogenetic location: 11p14.1.
Variant type: single nucleotide variant.
Coding change: c.-21-15688C>T on transcript NM_001709.5 (MANE Select); 15688 bases into the intron before 21 bases upstream of the start codon, C replaced by T.
Molecular consequence: intron variant. On other transcripts: synonymous variant (1), 5 prime UTR variant (1).
Genome position (GRCh38, 1-based): chr11:27,674,273, G>A on the plus strand (C>T on the coding strand, the complement: BDNF is on the minus strand). VCF-style: chr11-27674273-G-A. GRCh37 (hg19) VCF-style: chr11-27695820-G-A.
Other names: c.12C>T, p.Ala4= (NM_001143810.2); c.-352C>T (NM_001143811.2); c.4-15688C>T (NM_170731.5); c.-21-15688C>T (NM_001143805.1, NM_001143806.1, NM_170732.4 and 5 more transcripts); c.67-15688C>T (NM_001143809.2); c.-128-15347C>T (NM_001143814.2); c.25-15688C>T (NM_170734.4).
Identifiers: ClinVar variation 3357273 (VCV003357273.1).

ClinVar aggregate classification (germline): Likely benign (0 of 4 stars; one submission).

Conditions:
BDNF-related disorder. Also called: BDNF-related condition.

gnomAD v4.1: 54 of 1,566,406 alleles (0.0034%); highest among the groups gnomAD compares: Non-Finnish European, 0.0047%; no homozygotes.

Submission:

PreventionGenetics, part of Exact Sciences
Classification: Likely benign for BDNF-related condition. Last evaluated: 2023-12-06. Review status: no assertion criteria provided. Collection method: clinical testing. Allele origin: germline.
Comment: This variant is classified as likely benign based on ACMG/AMP sequence variant interpretation guidelines (Richards et al. 2015 PMID: 25741868, with internal and published modifications).